The following is an entry in ClinVar:

ClinVar aggregate classification (germline): Uncertain significance (1 of 4 stars; one submission).

Submission:

Labcorp Genetics (formerly Invitae), Labcorp
Classification: Uncertain significance. Last evaluated: 2025-02-07. Review status: criteria provided, single submitter. Criteria: Invitae Variant Classification Sherloc (09022015). Collection method: clinical testing. Allele origin: germline.
Comment: This sequence change replaces cysteine, which is neutral and slightly polar, with glycine, which is neutral and non-polar, at codon 1493 of the COL4A1 protein (p.Cys1493Gly). This variant is not present in population databases (gnomAD no frequency). This variant has not been reported in the literature in individuals affected with COL4A1-related conditions. Invitae Evidence Modeling of protein sequence and biophysical properties (such as structural, functional, and spatial information, amino acid conservation, physicochemical variation, residue mobility, and thermodynamic stability) indicates that this missense variant is expected to disrupt COL4A1 protein function with a positive predictive value of 95%. In summary, the available evidence is currently insufficient to determine the role of this variant in disease. Therefore, it has been classified as a Variant of Uncertain Significance.

NM_001845.6(COL4A1):c.4477T>G (p.Cys1493Gly)

Gene: COL4A1 (collagen type IV alpha 1 chain; minus strand). Cytogenetic location: 13q34.
Variant type: single nucleotide variant.
Coding change: c.4477T>G on transcript NM_001845.6 (MANE Select); coding-DNA position 4477, T replaced by G.
Protein change: p.Cys1493Gly; replaces cysteine 1493 with glycine.
Molecular consequence: missense variant.
Genome position (GRCh38, 1-based): chr13:110,161,355, A>C on the plus strand (T>G on the coding strand, the complement: COL4A1 is on the minus strand). VCF-style: chr13-110161355-A-C. GRCh37 (hg19) VCF-style: chr13-110813702-A-C.
Other names: short protein forms C1493G.
Identifiers: ClinVar variation 4746024 (VCV004746024.1).